The following is an entry in ClinVar:

ClinVar aggregate classification (germline): Likely pathogenic. Review status: criteria provided, multiple submitters, no conflicts (2 of 4 stars). 2 submissions from 2 submitters: Likely pathogenic (2). Last evaluated 2024-02-10.

Conditions:
Primary hyperoxaluria, type I (HP1). Also called: OXALOSIS I; Primary hyperoxaluria type 1; GLYCOLIC ACIDURIA; HEPATIC AGT DEFICIENCY. Identifiers: Orphanet 416, Orphanet 93598, MedGen C0268164, MONDO:0009823, OMIM 259900. Disease mechanism: loss of function.

gnomAD v4.1: 2 of 1,609,732 alleles (0.00012%); highest among the groups gnomAD compares: East Asian, 0.0022%; no homozygotes.

Submissions (2):

Fulgent Genetics
Classification: Likely pathogenic for Primary hyperoxaluria, type I. Last evaluated: 2024-02-10. Review status: criteria provided, single submitter. Criteria: ACMG Guidelines, 2015. Collection method: clinical testing. Allele origin: germline.

Clinical Biochemistry Laboratory, Health Services Laboratory
Classification: Likely pathogenic for Primary hyperoxaluria, type I. Last evaluated: 2023-10-27. Review status: criteria provided, single submitter. Criteria: ACMG Guidelines, 2015. Collection method: curation. Allele origin: germline.
Comment: ACMG: PVS1 PM2

NM_000030.3(AGXT):c.681-1G>A

Gene: AGXT (alanine--glyoxylate aminotransferase; plus strand). Cytogenetic location: 2q37.3.
Variant type: single nucleotide variant.
Coding change: c.681-1G>A on transcript NM_000030.3 (MANE Select); the canonical splice acceptor site of the intron before coding-DNA position 681, G replaced by A.
Molecular consequence: splice acceptor variant.
Genome position (GRCh38, 1-based): chr2:240,875,108, G>A. VCF-style: chr2-240875108-G-A. GRCh37 (hg19) VCF-style: chr2-241814525-G-A.
Identifiers: ClinVar variation 2681185 (VCV002681185.2), dbSNP rs112673831, ClinGen allele CA2209207.